The following is an entry in ClinVar:

NM_001372044.2(SHANK3):c.1161C>A (p.Arg387=)

Gene: SHANK3 (SH3 and multiple ankyrin repeat domains 3; plus strand).
Variant type: single nucleotide variant.
Coding change: c.1161C>A on transcript NM_001372044.2 (MANE Select); coding-DNA position 1161, C replaced by A.
Protein change: p.Arg387=; no amino-acid change (arginine 387 retained).
Molecular consequence: synonymous variant.
Other names: c.936C>A, p.Arg312= (NM_033517.1).
Identifiers: ClinVar variation 1315545 (VCV001315545.3), dbSNP rs2124372227.

ClinVar aggregate classification (germline): Likely benign. Review status: criteria provided, multiple submitters, no conflicts (2 of 4 stars). 2 submissions from 2 submitters: Likely benign (2). Last evaluated 2024-02-21.

Conditions:
SHANK3-related disorder. Also called: SHANK3-related condition.

Submissions (2):

PreventionGenetics, part of Exact Sciences
Classification: Likely benign for SHANK3-related condition. Last evaluated: 2024-02-21. Review status: criteria provided, single submitter. Criteria: ACMG Guidelines, 2015. Collection method: clinical testing. Allele origin: germline.
Comment: This variant is classified as likely benign based on ACMG/AMP sequence variant interpretation guidelines (Richards et al. 2015 PMID: 25741868, with internal and published modifications).

GeneDx
Classification: Likely benign. Last evaluated: 2020-11-20. Review status: criteria provided, single submitter. Criteria: GeneDx Variant Classification Process June 2021. Collection method: clinical testing. Allele origin: germline. Affected: yes.